The following is an entry in ClinVar:

ClinVar aggregate classification (germline): Conflicting classifications of pathogenicity. Review status: criteria provided, conflicting classifications (1 of 4 stars). 3 submissions from 3 submitters: Uncertain significance (1); Benign (1). 1 of the submissions does not count toward it. Last evaluated 2026-07-01.

Conditions:
Spermatogenic failure 34. Identifiers: MedGen C4748403, MONDO:0029148, OMIM 618153.
FSIP2-related disorder. Also called: FSIP2-related condition.

Allele frequency attached by ClinVar (database versions not stated): gnomAD 0.00855; ExAC 0.00898; TOPMed 0.00901; gnomAD exomes 0.01210; 1000 Genomes Project 0.00499; 1000 Genomes Project 30x 0.00547.

Submissions (3):

CeGaT Center for Human Genetics Tuebingen
Classification: Benign. Last evaluated: 2026-07-01. Review status: criteria provided, single submitter. Criteria: CeGaT Center For Human Genetics Tuebingen Variant Classification Criteria Version 2. Collection method: clinical testing. Allele origin: germline. Affected: yes. Observed: 5 variant alleles.
Comment: FSIP2-AS1: BS1, BS2; FSIP2: PM4:Supporting, BS1, BS2

MGZ Medical Genetics Center
Classification: Uncertain significance for Spermatogenic failure 34. Last evaluated: 2021-08-11. Review status: criteria provided, single submitter. Criteria: ACMG Guidelines, 2015. Collection method: clinical testing. Allele origin: germline. Affected: yes. Observed: 1 variant allele.
Comment: ACMG criteria applied: PM3, PM4

PreventionGenetics, part of Exact Sciences
Classification: Likely benign for FSIP2-related condition. Last evaluated: 2019-03-06. Review status: no assertion criteria provided. Collection method: clinical testing. Allele origin: germline. Not counted in ClinVar's aggregate classification.
Comment: This variant is classified as likely benign based on ACMG/AMP sequence variant interpretation guidelines (Richards et al. 2015 PMID: 25741868, with internal and published modifications).

NM_173651.4(FSIP2):c.1660_1662dup (p.Asp554_Ser555insAsp)

Genes: FSIP2-AS1 (FSIP2 antisense RNA 1; minus strand), FSIP2 (fibrous sheath interacting protein 2; plus strand). Cytogenetic location: 2q32.1.
Variant type: Duplication.
Coding change: c.1660_1662dup on transcript NM_173651.4 (MANE Select); coding-DNA positions 1660 to 1662, 3 bases duplicated (GAT; older notation c.1660_1662dupGAT).
Protein change: p.Asp554_Ser555insAsp.
Molecular consequence: inframe insertion. On other transcripts: non-coding transcript variant (2).
Genome position (GRCh38, 1-based): chr2:185,788,796-185,788,798, GAT duplicated. VCF-style (leftmost placement, unchanged base first): chr2-185788795-A-AGAT. GRCh37 (hg19) VCF-style: chr2-186653522-A-AGAT.
Other names: c.1660_1662dupGAT (NM_173651.3).
Identifiers: ClinVar variation 1709917 (VCV001709917.27), dbSNP rs141318533, ClinGen allele CA2016543.